The following is an entry in ClinVar:

ClinVar aggregate classification (germline): Likely benign (1 of 4 stars; one submission).

Allele frequency attached by ClinVar (database versions not stated): TOPMed below 0.00001; ExAC 0.00009; ESP Exome Variant Server 0.00009; gnomAD 0.00014.
gnomAD v4.1: 93 of 1,206,332 alleles (0.0077%); highest among the groups gnomAD compares: Non-Finnish European, 0.0036%; no homozygotes.

Submission:

CeGaT Center for Human Genetics Tuebingen
Classification: Likely benign. Last evaluated: 2022-06-01. Review status: criteria provided, single submitter. Criteria: CeGaT Center For Human Genetics Tuebingen Variant Classification Criteria Version 2. Collection method: clinical testing. Allele origin: germline. Affected: yes. Observed: 1 variant allele.
Comment: MAP3K15: BP4, BP7

NM_001001671.4(MAP3K15):c.2208T>C (p.Ala736=)

Gene: MAP3K15 (mitogen-activated protein kinase kinase kinase 15; minus strand). Cytogenetic location: Xp22.12.
Variant type: single nucleotide variant.
Coding change: c.2208T>C on transcript NM_001001671.4 (MANE Select); coding-DNA position 2208, T replaced by C.
Protein change: p.Ala736=; no amino-acid change (alanine 736 retained).
Molecular consequence: synonymous variant.
Genome position (GRCh38, 1-based): chrX:19,392,460, A>G on the plus strand (T>C on the coding strand, the complement: MAP3K15 is on the minus strand). VCF-style: chrX-19392460-A-G. GRCh37 (hg19) VCF-style: chrX-19410578-A-G.
Identifiers: ClinVar variation 2660130 (VCV002660130.24), dbSNP rs371400529, ClinGen allele CA10363819.
Genomic context (GRCh38, chrX:19,392,460, plus strand): 5'-CTGTTTGGTGTAAAACTTGATTGTCGGTTCCTTCATCGGCCCCCATTTGGATCGCAGAAG[A>G]GCAGAAAGGCTTCCTAGAGACAGTCACAGCAAAAAACTTATCAGGAAGAGAAAGTTTCAA-3'
Protein context (NP_001001671.3, residues 726-746): MEQVPGGSLS[Ala736=]LLRSKWGPMK